The following is an entry in ClinVar:

ClinVar aggregate classification (germline): Uncertain significance (1 of 4 stars; one submission).

Conditions:
Hereditary cancer-predisposing syndrome. Also called: Hereditary neoplastic syndrome; Neoplastic Syndromes, Hereditary; Tumor predisposition; Hereditary Cancer Syndrome. Identifiers: Orphanet 140162, MedGen C0027672, MeSH D009386, MONDO:0015356.

Submission:

Ambry Genetics
Classification: Uncertain significance for Hereditary cancer-predisposing syndrome. Last evaluated: 2025-08-27. Review status: criteria provided, single submitter. Criteria: Ambry Variant Classification Scheme 2023. Collection method: clinical testing. Allele origin: germline.
Comment: The p.L86Q variant (also known as c.257T>A), located in coding exon 3 of the MUTYH gene, results from a T to A substitution at nucleotide position 257. The leucine at codon 86 is replaced by glutamine, an amino acid with dissimilar properties. This amino acid position is conserved. In addition, this alteration is predicted to be tolerated by in silico analysis. Based on the available evidence, the clinical significance of this variant remains unclear.

NM_001048174.2(MUTYH):c.173T>A (p.Leu58Gln)

Gene: MUTYH (mutY DNA glycosylase; minus strand). Cytogenetic location: 1p34.1.
Variant type: single nucleotide variant.
Coding change: c.173T>A on transcript NM_001048174.2 (MANE Select); coding-DNA position 173, T replaced by A.
Protein change: p.Leu58Gln; replaces leucine 58 with glutamine.
Molecular consequence: missense variant. On other transcripts: 5 prime UTR variant (1), non-coding transcript variant (5), intron variant (5).
Genome position (GRCh38, 1-based): chr1:45,333,504, A>T on the plus strand (T>A on the coding strand, the complement: MUTYH is on the minus strand). VCF-style: chr1-45333504-A-T. GRCh37 (hg19) VCF-style: chr1-45799176-A-T.
Other names: c.173T>A, p.Leu58Gln (NM_001048171.2, NM_001048173.2, NM_001293195.2 and 6 more transcripts); c.176T>A, p.Leu59Gln (NM_001048172.2, NM_001407071.1, NM_001407078.1 and 2 more transcripts); c.257T>A, p.Leu86Gln (NM_001128425.2); c.218T>A, p.Leu73Gln (NM_001293190.2); c.206T>A, p.Leu69Gln (NM_001293191.2, NM_001407077.1); c.-99T>A (NM_001350650.2); c.248T>A, p.Leu83Gln (NM_001407069.1, NM_012222.3); c.215T>A, p.Leu72Gln (NM_001407073.1, NM_001407083.1, NM_001407085.1); and 4 more; short protein forms L65Q, L69Q, L83Q, L58Q, L59Q, L86Q, L30Q, L72Q.
Identifiers: ClinVar variation 4113551 (VCV004113551.1).